The following is an entry in ClinVar:

ClinVar aggregate classification (germline): Conflicting classifications of pathogenicity. Review status: criteria provided, conflicting classifications (1 of 4 stars). 7 submissions from 6 submitters: Likely pathogenic (5); Uncertain significance (1); Likely benign (1). Last evaluated 2026-09-15.

Conditions:
Autosomal recessive Alport syndrome (ATS2). Also called: COL4A4 Alport Syndrome and Thin Basement Membrane Nephropathy; ALPORT SYNDROME 2, AUTOSOMAL RECESSIVE; Alport syndrome type 2; COL4A3-Related Nephropathy. Identifiers: Orphanet 63, Orphanet 88919, MedGen C4746745, MONDO:0008762, OMIM 203780.
Benign familial hematuria. Also called: thin basement membrane disease. Identifiers: MedGen C0241908, MONDO:0957317.
Alport syndrome. Also called: Hemorrhagic familial nephritis; Hemorrhagic hereditary nephritis; Congenital hereditary hematuria. Identifiers: Orphanet 63, MedGen C1567741, MONDO:0018965.
Hematuria, benign familial, 1 (BFH1). Also called: THIN MEMBRANE NEPHROPATHY. Identifiers: MedGen CN376803, MONDO:0007709, OMIM 141200.
COL4A4-related disorder.

Allele frequency attached by ClinVar (database versions not stated): gnomAD 0.00001; gnomAD exomes 0.00004 and 0.00010; TOPMed 0.00008; ExAC 0.00014.
gnomAD v4.1: 27 of 1,614,020 alleles (0.0017%); highest among the groups gnomAD compares: Admixed American, 0.04%; no homozygotes.

Submissions (7):

PreventionGenetics, part of Exact Sciences
Classification: Likely pathogenic for COL4A4-related condition. Last evaluated: 2026-09-15. Review status: criteria provided, single submitter. Criteria: ACMG Guidelines, 2015. Collection method: clinical testing. Allele origin: germline.
Comment: The COL4A4 c.3014G>A variant is predicted to result in the amino acid substitution p.Gly1005Glu. This variant resides within the triple helical domain of the COL4A4 protein (amino acids 57-1451). Glycine substitutions within this domain affect the folding and secretion of type VII collagen, and pathogenic variants altering glycine residues have been reported in individuals with COL4A4-related disorders (Hudson et al. 1993. PubMed ID: 8253711). This variant has been reported in the compound heterozygous state in an individual with Alport syndrome (Zhang et al. 2021. PubMed ID: 33772369) and it has also been reported in a cohort of patients with chronic kidney disease, however information about presence or absence of a second COL4A4 variant was not provided (Table S3, Bleyer et al. 2022. PubMed ID: 35325889). This variant is reported in 0.065% of alleles in individuals of Latino descent. While the clinical significance of this variant for autosomal dominant disease is uncertain, for autosomal recessive disease this variant is interpreted as likely pathogenic.

GeneDx
Classification: Uncertain significance. Last evaluated: 2026-08-20. Review status: criteria provided, single submitter. Criteria: GeneDx Variant Classification Process June 2021. Collection method: clinical testing. Allele origin: germline.
Comment: Reported with a second variant in a patient with Alport syndrome in published literature (PMID: 33772369); Identified in a patient with kidney disease in published literature, but additional evidence is not available (PMID: 35325889); Affects a glycine residue in a Gly-X-Y motif in the triple helical region of the COL4A4 gene; In silico analysis supports that this missense variant has a deleterious effect on protein structure/function; This variant is associated with the following publications: (PMID: 33772369, 35325889)

Labcorp Genetics (formerly Invitae), Labcorp
Classification: Likely benign. Last evaluated: 2025-12-23. Review status: criteria provided, single submitter. Criteria: Invitae Variant Classification Sherloc (09022015). Collection method: clinical testing. Allele origin: germline.

Natera, Inc.
Classification: Likely pathogenic for Alport syndrome. Last evaluated: 2025-10-15. Review status: criteria provided, single submitter. Criteria: Natera Variant Classification Schema (03/2026). Collection method: clinical testing. Allele origin: germline.
Comment: The c.3014G>A variant in COL4A4 is a missense variant predicted to cause substitution of glycine to glutamic acid at amino acid 1005. This variant is rare in the general population with a frequency below the threshold expected for the associated phenotype(s). This variant has been observed in one or more individuals affected with the associated recessive disease, as either homozygous or compound heterozygous with a second variant (PMID: 33772369). This variant is located in a functionally critical region of the protein. Computational prediction algorithms indicate this variant is likely to affect gene or protein function. Given the available evidence, this variant is classified as Likely Pathogenic.

3billion
Classification: Likely pathogenic for Autosomal recessive Alport syndrome. Last evaluated: 2025-02-17. Review status: criteria provided, single submitter. Criteria: ACMG Guidelines, 2015. Collection method: clinical testing. Allele origin: germline. Affected: yes.
Comment: The variant is observed at an extremely low frequency in the gnomAD v4.1.0 dataset (total allele frequency: 0.002%). Predicted Consequence/Location: Missense variant In silico tool predictions suggest damaging effect of the variant on gene or gene product [REVEL: 0.78 (>=0.6, sensitivity 0.68 and specificity 0.92); 3Cnet: 0.94 (>=0.6, sensitivity 0.72 and precision 0.9)]. The same nucleotide change resulting in the same amino acid change has been previously reported as pathogenic/likely pathogenic with strong evidence (ClinVar ID: VCV001179045 /PMID: 33772369). A different missense change at the same codon (p.Gly1005Arg) has been reported to be associated with COL4A4-related disorder (ClinVar ID: VCV003585811). Therefore, this variant is classified as Likely pathogenic according to the recommendation of ACMG/AMP guideline.

Fulgent Genetics
Classification: Likely pathogenic for Hematuria, benign familial, 1; Autosomal recessive Alport syndrome. Last evaluated: 2024-06-23. Review status: criteria provided, single submitter. Criteria: ACMG Guidelines, 2015. Collection method: clinical testing. Allele origin: germline.

Fulgent Genetics
Classification: Likely pathogenic for Hematuria, benign familial, 1; Autosomal recessive Alport syndrome. Last evaluated: 2021-06-30. Review status: criteria provided, single submitter. Criteria: ACMG Guidelines, 2015. Collection method: clinical testing. Allele origin: unknown.
Comment: This variant has been detected in individual(s) who were sent for testing of Renasight - kidney gene panel.

Literature cited by the submitters: PubMed 33772369 (cited by Natera, Inc. and 3billion).

NM_000092.5(COL4A4):c.3014G>A (p.Gly1005Glu)

Gene: COL4A4 (collagen type IV alpha 4 chain; minus strand). Cytogenetic location: 2q36.3.
Variant type: single nucleotide variant.
Coding change: c.3014G>A on transcript NM_000092.5 (MANE Select); coding-DNA position 3014, G replaced by A.
Protein change: p.Gly1005Glu; replaces glycine 1005 with glutamic acid.
Molecular consequence: missense variant.
Genome position (GRCh38, 1-based): chr2:227,051,113, C>T on the plus strand (G>A on the coding strand, the complement: COL4A4 is on the minus strand). VCF-style: chr2-227051113-C-T. GRCh37 (hg19) VCF-style: chr2-227915829-C-T.
Other names: short protein forms G1005E.
Identifiers: ClinVar variation 1179045 (VCV001179045.19), dbSNP rs769138971, ClinGen allele CA2144650.
Genomic context (GRCh38, chr2:227,051,113, plus strand): 5'-GGCCCTGGCTGACCTTTCTCACCAGGTTCCCCTCTGTGAAATCCAGGTGGTCCGTATCTT[C>T]CCGGCTCTCCTCTTCTCCCTTGCATCCCGGGAGTTCCTTTATCACCTGATGAAGTTGGAA-3'
Protein context (NP_000083.3, residues 995-1015): PGMQGRRGEP[Gly1005Glu]RYGPPGFHRG